The following is an entry in ClinVar:

ClinVar aggregate classification (germline): Uncertain significance (1 of 4 stars; one submission).

Allele frequency attached by ClinVar (database versions not stated): TOPMed 0.00001; ExAC 0.00002; gnomAD 0.00002; ESP Exome Variant Server 0.00015.
gnomAD v4.1: 33 of 1,614,014 alleles (0.002%); highest among the groups gnomAD compares: Non-Finnish European, 0.0023%; no homozygotes.

Submission:

Labcorp Genetics (formerly Invitae), Labcorp
Classification: Uncertain significance. Last evaluated: 2025-11-11. Review status: criteria provided, single submitter. Criteria: Invitae Variant Classification Sherloc (09022015). Collection method: clinical testing. Allele origin: germline.
Comment: This sequence change replaces alanine, which is neutral and non-polar, with valine, which is neutral and non-polar, at codon 331 of the ALPK1 protein (p.Ala331Val). This variant is present in population databases (rs149715169, gnomAD 0.004%). This variant has not been reported in the literature in individuals affected with ALPK1-related conditions. ClinVar contains an entry for this variant (Variation ID: 1991582). Invitae Evidence Modeling of protein sequence and biophysical properties (such as structural, functional, and spatial information, amino acid conservation, physicochemical variation, residue mobility, and thermodynamic stability) indicates that this missense variant is expected to disrupt ALPK1 protein function with a positive predictive value of 80%. In summary, the available evidence is currently insufficient to determine the role of this variant in disease. Therefore, it has been classified as a Variant of Uncertain Significance.

NM_025144.4(ALPK1):c.992C>T (p.Ala331Val)

Gene: ALPK1 (alpha kinase 1; plus strand). Cytogenetic location: 4q25.
Variant type: single nucleotide variant.
Coding change: c.992C>T on transcript NM_025144.4 (MANE Select); coding-DNA position 992, C replaced by T.
Protein change: p.Ala331Val; replaces alanine 331 with valine.
Molecular consequence: missense variant.
Genome position (GRCh38, 1-based): chr4:112,430,539, C>T. VCF-style: chr4-112430539-C-T. GRCh37 (hg19) VCF-style: chr4-113351695-C-T.
Other names: c.992C>T, p.Ala331Val (NM_001102406.2); c.758C>T, p.Ala253Val (NM_001253884.2); short protein forms A253V, A331V.
Identifiers: ClinVar variation 1991582 (VCV001991582.4), dbSNP rs149715169, ClinGen allele CA3046643.